The following is an entry in ClinVar:

ClinVar aggregate classification (germline): Likely benign. Review status: criteria provided, single submitter (1 of 4 stars). 2 submissions from 2 submitters: Likely benign (1). 1 of the submissions does not count toward it. Last evaluated 2025-05-27.

Conditions:
FRAS1-related disorder. Also called: FRAS1-related condition.

Allele frequency attached by ClinVar (database versions not stated): ExAC 0.00007; TOPMed 0.00022; gnomAD 0.00014; 1000 Genomes Project 0.00020; 1000 Genomes Project 30x 0.00016.
gnomAD v4.1: 71 of 1,613,782 alleles (0.0044%); highest among the groups gnomAD compares: African/African-American, 0.045%; no homozygotes.

Submissions (2):

Labcorp Genetics (formerly Invitae), Labcorp
Classification: Likely benign. Last evaluated: 2025-05-27. Review status: criteria provided, single submitter. Criteria: Invitae Variant Classification Sherloc (09022015). Collection method: clinical testing. Allele origin: germline.

PreventionGenetics, part of Exact Sciences
Classification: Likely benign for FRAS1-related condition. Last evaluated: 2019-05-01. Review status: no assertion criteria provided. Collection method: clinical testing. Allele origin: germline. Not counted in ClinVar's aggregate classification.
Comment: This variant is classified as likely benign based on ACMG/AMP sequence variant interpretation guidelines (Richards et al. 2015 PMID: 25741868, with internal and published modifications).

NM_025074.7(FRAS1):c.5232C>T (p.Pro1744=)

Gene: FRAS1 (Fraser extracellular matrix complex subunit 1; plus strand). Cytogenetic location: 4q21.21.
Variant type: single nucleotide variant.
Coding change: c.5232C>T on transcript NM_025074.7 (MANE Select); coding-DNA position 5232, C replaced by T.
Protein change: p.Pro1744=; no amino-acid change (proline 1744 retained).
Molecular consequence: synonymous variant.
Genome position (GRCh38, 1-based): chr4:78,438,584, C>T. VCF-style: chr4-78438584-C-T. GRCh37 (hg19) VCF-style: chr4-79359738-C-T.
Other names: c.5232C>T (NM_025074.6); c.5232C>T, p.Pro1744= (NM_001166133.2).
Identifiers: ClinVar variation 2899671 (VCV002899671.5), dbSNP rs142473690, ClinGen allele CA2977468.